The following is an entry in ClinVar:

NM_000283.4(PDE6B):c.2504-1G>C

Gene: PDE6B (phosphodiesterase 6B; plus strand). Cytogenetic location: 4p16.3.
Variant type: single nucleotide variant.
Coding change: c.2504-1G>C on transcript NM_000283.4 (MANE Select); the canonical splice acceptor site of the intron before coding-DNA position 2504, G replaced by C.
Molecular consequence: splice acceptor variant. On other transcripts: intron variant (1).
Genome position (GRCh38, 1-based): chr4:670,045, G>C. VCF-style: chr4-670045-G-C. GRCh37 (hg19) VCF-style: chr4-663834-G-C.
Other names: c.2504-4G>C (NM_001145291.2); c.1667-1G>C (NM_001379246.1, NM_001379247.1, NM_001145292.2); c.1602-1G>C (NM_001350154.3); c.1284-1G>C (NM_001350155.3).
Identifiers: ClinVar variation 288747 (VCV000288747.18), dbSNP rs201870319, ClinGen allele CA2795101.

ClinVar aggregate classification (germline): Conflicting classifications of pathogenicity. Review status: criteria provided, conflicting classifications (1 of 4 stars). 6 submissions from 5 submitters: Uncertain significance (5); Likely benign (1). Last evaluated 2026-07-30.

Conditions:
Retinitis pigmentosa (RP). Identifiers: Orphanet 791, MedGen C0035334, MeSH D012174, MONDO:0019200, OMIM 268000. Inheritance: Autosomal dominant, autosomal recessive and X linked inheritance.
PDE6B-related disorder. Also called: PDE6B-related disease; PDE6B-related condition; PDE6B-related disorders.
Congenital stationary night blindness autosomal dominant 2. Also called: NIGHT BLINDNESS, CONGENITAL STATIONARY, RAMBUSCH TYPE. Identifiers: Orphanet 215, MedGen C1876182, MONDO:0008099, OMIM 163500.

Allele frequency attached by ClinVar (database versions not stated): gnomAD exomes 0.00005 and 0.00010; ExAC 0.00007; gnomAD 0.00026 and 0.00029; 1000 Genomes Project 0.00040; 1000 Genomes Project 30x 0.00047; TOPMed 0.00074.
gnomAD v4.1: 126 of 1,612,474 alleles (0.0078%); highest among the groups gnomAD compares: Admixed American, 0.095%; 2 homozygotes.

Submissions (7):

PreventionGenetics, part of Exact Sciences
Classification: Uncertain significance for PDE6B-related condition. Last evaluated: 2026-07-30. Review status: criteria provided, single submitter. Criteria: ACMG Guidelines, 2015. Collection method: clinical testing. Allele origin: germline.
Comment: The PDE6B c.2504-1G>C variant is predicted to disrupt the AG splice acceptor site and interfere with normal splicing. To our knowledge, this variant has not been reported in the literature in association with disease. This variant is present in 0.13% of alleles in individuals of Ashkenazi Jewish descent in gnomAD, including 2 homozygotes in v4.1.0. Although we suspect that this variant may be benign, at this time, the clinical significance of this variant is uncertain due to the absence of conclusive functional and genetic evidence.

Labcorp Genetics (formerly Invitae), Labcorp
Classification: Uncertain significance. Last evaluated: 2026-01-19. Review status: criteria provided, single submitter. Criteria: Invitae Variant Classification Sherloc (09022015). Collection method: clinical testing. Allele origin: germline.
Comment: This sequence change affects an acceptor splice site in intron 21 of the PDE6B gene. While this variant is not anticipated to result in nonsense mediated decay, it likely alters RNA splicing and results in a disrupted protein product. This variant is present in population databases (rs201870319, gnomAD 0.1%). This variant has not been reported in the literature in individuals affected with PDE6B-related conditions. ClinVar contains an entry for this variant (Variation ID: 288747). Variants that disrupt the consensus splice site are a relatively common cause of aberrant splicing (PMID: 17576681, 9536098). Algorithms developed to predict the effect of sequence changes on RNA splicing suggest that this variant may disrupt the consensus splice site. In summary, the available evidence is currently insufficient to determine the role of this variant in disease. Therefore, it has been classified as a Variant of Uncertain Significance.

Blueprint Genetics
Classification: Uncertain significance. Last evaluated: 2023-04-25. Review status: criteria provided, single submitter. Criteria: ACMG Guidelines, 2015. Collection method: clinical testing. Allele origin: germline.

Illumina Laboratory Services, Illumina
Classification: Likely benign for Congenital stationary night blindness autosomal dominant 2. Last evaluated: 2018-01-13. Review status: criteria provided, single submitter. Criteria: ICSL Variant Classification Criteria 13 December 2019. Collection method: clinical testing. Allele origin: germline.
Comment: This variant was observed in the ICSL laboratory as part of a predisposition screen in an ostensibly healthy population. It had not been previously curated by ICSL or reported in the Human Gene Mutation Database (HGMD: prior to June 1st, 2018), and was therefore a candidate for classification through an automated scoring system. Utilizing variant allele frequency, disease prevalence and penetrance estimates, and inheritance mode, an automated score was calculated to assess if this variant is too frequent to cause the disease. Based on the score and internal cut-off values, a variant classified as likely benign is not then subjected to further curation. The score for this variant resulted in a classification of likely benign for this disease.

Illumina Laboratory Services, Illumina
Classification: Uncertain significance for Retinitis pigmentosa. Last evaluated: 2018-01-13. Review status: criteria provided, single submitter. Criteria: ICSL Variant Classification Criteria 13 December 2019. Collection method: clinical testing. Allele origin: germline.

Eurofins Ntd Llc (ga)
Classification: Uncertain significance. Last evaluated: 2016-06-22. Review status: criteria provided, single submitter. Criteria: EGL Classification Definitions 2015. Collection method: clinical testing. Allele origin: germline. Observed: 1 variant allele, 1 heterozygote.

Dr. Peter K. Rogan Lab, Western University
No classification provided (evidence only). Condition: Clear cell carcinoma of kidney. Review status: no classification provided. Collection method: in vitro. Allele origin: not applicable. Functional consequence: retained intron. Not counted in ClinVar's aggregate classification.

Literature cited by the submitters: PubMed 17576681 (cited by Labcorp Genetics (formerly Invitae), Labcorp); PubMed 9536098 (cited by Labcorp Genetics (formerly Invitae), Labcorp).